The following is an entry in ClinVar:

ClinVar aggregate classification (germline): Uncertain significance (1 of 4 stars; one submission).

Allele frequency attached by ClinVar (database versions not stated): gnomAD 0.00001.

Submission:

Labcorp Genetics (formerly Invitae), Labcorp
Classification: Uncertain significance. Last evaluated: 2022-04-04. Review status: criteria provided, single submitter. Criteria: Invitae Variant Classification Sherloc (09022015). Collection method: clinical testing. Allele origin: germline.
Comment: This sequence change replaces proline, which is neutral and non-polar, with arginine, which is basic and polar, at codon 269 of the GPR88 protein (p.Pro269Arg). This variant is present in population databases (no rsID available, gnomAD 0.007%). This variant has not been reported in the literature in individuals affected with GPR88-related conditions. Algorithms developed to predict the effect of missense changes on protein structure and function are either unavailable or do not agree on the potential impact of this missense change (SIFT: "Deleterious"; PolyPhen-2: "Not Available"; Align-GVGD: "Class C0"). In summary, the available evidence is currently insufficient to determine the role of this variant in disease. Therefore, it has been classified as a Variant of Uncertain Significance.

NM_022049.3(GPR88):c.806C>G (p.Pro269Arg)

Gene: GPR88 (G protein-coupled receptor 88; plus strand). Cytogenetic location: 1p21.2.
Variant type: single nucleotide variant.
Coding change: c.806C>G on transcript NM_022049.3 (MANE Select); coding-DNA position 806, C replaced by G.
Protein change: p.Pro269Arg; replaces proline 269 with arginine.
Molecular consequence: missense variant.
Genome position (GRCh38, 1-based): chr1:100,539,772, C>G. VCF-style: chr1-100539772-C-G. GRCh37 (hg19) VCF-style: chr1-101005328-C-G.
Other names: short protein forms P269R.
Identifiers: ClinVar variation 1909463 (VCV001909463.5), dbSNP rs1241848040, ClinGen allele CA341392524.